The following is an entry in ClinVar:

ClinVar aggregate classification (germline): Uncertain significance. Review status: criteria provided, multiple submitters, no conflicts (2 of 4 stars). 2 submissions from 2 submitters: Uncertain significance (2). Last evaluated 2026-09-01.

gnomAD v4.1: 27 of 1,614,172 alleles (0.0017%); highest among the groups gnomAD compares: African/African-American, 0.0027%; no homozygotes.

Submissions (2):

CeGaT Center for Human Genetics Tuebingen
Classification: Uncertain significance. Last evaluated: 2026-09-01. Review status: criteria provided, single submitter. Criteria: CeGaT Center For Human Genetics Tuebingen Variant Classification Criteria Version 2. Collection method: clinical testing. Allele origin: germline. Affected: yes. Observed: 1 variant allele.
Comment: DLST: PM2

Ambry Genetics
Classification: Uncertain significance. Last evaluated: 2025-05-01. Review status: criteria provided, single submitter. Criteria: Ambry Variant Classification Scheme 2023. Collection method: clinical testing. Allele origin: germline.

NM_001933.5(DLST):c.413C>T (p.Thr138Ile)

Gene: DLST (dihydrolipoamide S-succinyltransferase; plus strand). Cytogenetic location: 14q24.3.
Variant type: single nucleotide variant.
Coding change: c.413C>T on transcript NM_001933.5 (MANE Select); coding-DNA position 413, C replaced by T.
Protein change: p.Thr138Ile; replaces threonine 138 with isoleucine.
Molecular consequence: missense variant. On other transcripts: non-coding transcript variant (2).
Genome position (GRCh38, 1-based): chr14:74,891,138, C>T. VCF-style: chr14-74891138-C-T. GRCh37 (hg19) VCF-style: chr14-75357841-C-T.
Other names: c.413C>T, p.Thr138Ile (NM_001244883.2); short protein forms T138I.
Identifiers: ClinVar variation 4012153 (VCV004012153.2).